The following is an entry in ClinVar:

ClinVar aggregate classification (germline): Uncertain significance (1 of 4 stars; one submission).

Conditions:
HTR2C-related disorder. Also called: HTR2C-related condition.

gnomAD v4.1: 1 of 1,210,865 alleles (0.000083%); highest among the groups gnomAD compares: Non-Finnish European, 0.00011%; no homozygotes.

Submission:

PreventionGenetics, part of Exact Sciences
Classification: Uncertain significance for HTR2C-related condition. Last evaluated: 2025-05-29. Review status: criteria provided, single submitter. Criteria: ACMG Guidelines, 2015. Collection method: clinical testing. Allele origin: germline.
Comment: The HTR2C c.583G>T variant is predicted to result in the amino acid substitution p.Ala195Ser. To our knowledge, this variant has not been reported in the literature or in a large population database (gnomAD), indicating this variant is rare. At this time, the clinical significance of this variant is uncertain due to the absence of conclusive functional and genetic evidence.

NM_000868.4(HTR2C):c.678G>T (p.Pro226=)

Genes: HTR2C (5-hydroxytryptamine receptor 2C; plus strand), LOC126863306 (MED14-independent group 3 enhancer GRCh37_chrX:114140926-114142125; plus strand). Cytogenetic location: Xq23.
Variant type: single nucleotide variant.
Coding change: c.678G>T on transcript NM_000868.4 (MANE Select); coding-DNA position 678, G replaced by T.
Protein change: p.Pro226=; no amino-acid change (proline 226 retained).
Molecular consequence: synonymous variant. On other transcripts: missense variant (1).
Genome position (GRCh38, 1-based): chrX:114,906,716, G>T. VCF-style: chrX-114906716-G-T. GRCh37 (hg19) VCF-style: chrX-114141279-G-T.
Other names: c.678G>T, p.Pro226= (NM_001256760.3); c.583G>T, p.Ala195Ser (NM_001256761.3); short protein forms A195S.
Identifiers: ClinVar variation 4985696 (VCV004985696.1).